The following is an entry in ClinVar:

ClinVar aggregate classification (germline): Benign. Review status: criteria provided, multiple submitters, no conflicts (2 of 4 stars). 2 submissions from 2 submitters: Benign (2). Last evaluated 2018-06-17.

Allele frequency attached by ClinVar (database versions not stated): gnomAD exomes 0.04177; 1000 Genomes Project 0.05511; 1000 Genomes Project 30x 0.05637; gnomAD 0.05850 and 0.06040; TOPMed 0.06335.
gnomAD v4.1: 55,283 of 1,256,176 alleles (4.4%); highest among the groups gnomAD compares: African/African-American, 11%; 1,547 homozygotes.

Submissions (2):

GeneDx
Classification: Benign. Last evaluated: 2018-06-17. Review status: criteria provided, single submitter. Criteria: GeneDx Variant Classification (06012015). Collection method: clinical testing. Allele origin: germline. Affected: yes.
Comment: This variant is considered likely benign or benign based on one or more of the following criteria: it is a conservative change, it occurs at a poorly conserved position in the protein, it is predicted to be benign by multiple in silico algorithms, and/or has population frequency not consistent with disease.

Breakthrough Genomics
Classification: Benign. Review status: criteria provided, single submitter. Criteria: ACMG Guidelines, 2015. Collection method: not provided. Allele origin: germline. Inheritance: Autosomal recessive inheritance. Affected: yes.

NM_022356.4(P3H1):c.1914+109G>A

Gene: P3H1 (prolyl 3-hydroxylase 1; minus strand). Cytogenetic location: 1p34.2.
Variant type: single nucleotide variant.
Coding change: c.1914+109G>A on transcript NM_022356.4 (MANE Select); 109 bases into the intron after coding-DNA position 1914, G replaced by A.
Molecular consequence: intron variant.
Genome position (GRCh38, 1-based): chr1:42,747,614, C>T on the plus strand (G>A on the coding strand, the complement: P3H1 is on the minus strand). VCF-style: chr1-42747614-C-T. GRCh37 (hg19) VCF-style: chr1-43213285-C-T.
Other names: c.1914+109G>A (NM_001146289.2, NM_001243246.2).
Identifiers: ClinVar variation 675188 (VCV000675188.2), dbSNP rs72661349, ClinGen allele CA21241489.